The following is an entry in ClinVar:

ClinVar aggregate classification (germline): Uncertain significance. Review status: criteria provided, multiple submitters, no conflicts (2 of 4 stars). 2 submissions from 2 submitters: Uncertain significance (2). Last evaluated 2024-10-09.

Conditions:
Inborn genetic diseases. Identifiers: MedGen C0950123, MeSH D030342.

Allele frequency attached by ClinVar (database versions not stated): ExAC 0.00001; gnomAD 0.00001; gnomAD exomes 0.00002 and 0.00003; TOPMed 0.00002.
gnomAD v4.1: 26 of 1,612,960 alleles (0.0016%); highest among the groups gnomAD compares: Middle Eastern, 0.017%; 1 homozygote.

Submissions (2):

Ambry Genetics
Classification: Uncertain significance for Inborn genetic diseases. Last evaluated: 2024-10-09. Review status: criteria provided, single submitter. Criteria: Ambry Variant Classification Scheme 2023. Collection method: clinical testing. Allele origin: germline.

Labcorp Genetics (formerly Invitae), Labcorp
Classification: Uncertain significance. Last evaluated: 2023-10-13. Review status: criteria provided, single submitter. Criteria: Invitae Variant Classification Sherloc (09022015). Collection method: clinical testing. Allele origin: germline.
Comment: This sequence change replaces histidine, which is basic and polar, with arginine, which is basic and polar, at codon 158 of the GTF2E2 protein (p.His158Arg). This variant is present in population databases (rs747477737, gnomAD 0.02%), including at least one homozygous and/or hemizygous individual. This variant has not been reported in the literature in individuals affected with GTF2E2-related conditions. ClinVar contains an entry for this variant (Variation ID: 1353368). Advanced modeling of protein sequence and biophysical properties (such as structural, functional, and spatial information, amino acid conservation, physicochemical variation, residue mobility, and thermodynamic stability) performed at Invitae indicates that this missense variant is not expected to disrupt GTF2E2 protein function. In summary, the available evidence is currently insufficient to determine the role of this variant in disease. Therefore, it has been classified as a Variant of Uncertain Significance.

NM_002095.6(GTF2E2):c.473A>G (p.His158Arg)

Gene: GTF2E2 (general transcription factor IIE subunit 2; minus strand). Cytogenetic location: 8p12.
Variant type: single nucleotide variant.
Coding change: c.473A>G on transcript NM_002095.6 (MANE Select); coding-DNA position 473, A replaced by G.
Protein change: p.His158Arg; replaces histidine 158 with arginine.
Molecular consequence: missense variant.
Genome position (GRCh38, 1-based): chr8:30,612,375, T>C on the plus strand (A>G on the coding strand, the complement: GTF2E2 is on the minus strand). VCF-style: chr8-30612375-T-C. GRCh37 (hg19) VCF-style: chr8-30469892-T-C.
Other names: c.473A>G, p.His158Arg (NM_001348353.1); c.473A>G (NM_002095.4); short protein forms H158R.
Identifiers: ClinVar variation 1353368 (VCV001353368.5), dbSNP rs747477737, ClinGen allele CA4700964.